The following is an entry in ClinVar:

NM_001206927.2(DNAH8):c.4065G>C (p.Met1355Ile)

Gene: DNAH8 (dynein axonemal heavy chain 8; plus strand). Cytogenetic location: 6p21.2.
Variant type: single nucleotide variant.
Coding change: c.4065G>C on transcript NM_001206927.2 (MANE Select); coding-DNA position 4065, G replaced by C.
Protein change: p.Met1355Ile; replaces methionine 1355 with isoleucine.
Molecular consequence: missense variant.
Genome position (GRCh38, 1-based): chr6:38,826,373, G>C. VCF-style: chr6-38826373-G-C. GRCh37 (hg19) VCF-style: chr6-38794149-G-C.
Other names: c.4065G>C (NM_001206927.1); c.3414G>C, p.Met1138Ile (NM_001371.4); short protein forms M1355I, M1138I.
Identifiers: ClinVar variation 1478193 (VCV001478193.6), dbSNP rs779036783, ClinGen allele CA3788999.

ClinVar aggregate classification (germline): Uncertain significance. Review status: criteria provided, multiple submitters, no conflicts (2 of 4 stars). 2 submissions from 2 submitters: Uncertain significance (2). Last evaluated 2024-05-07.

Conditions:
Primary ciliary dyskinesia. Also called: Ciliary dyskinesia. Identifiers: Orphanet 244, MedGen C0008780, MONDO:0016575, HP:0012265.

Allele frequency attached by ClinVar (database versions not stated): gnomAD exomes 0.00001 and 0.00006; gnomAD 0.00002; TOPMed 0.00002; ExAC 0.00004.

Submissions (2):

Ambry Genetics
Classification: Uncertain significance. Last evaluated: 2024-05-07. Review status: criteria provided, single submitter. Criteria: Ambry Variant Classification Scheme 2023. Collection method: clinical testing. Allele origin: germline.

Labcorp Genetics (formerly Invitae), Labcorp
Classification: Uncertain significance for Primary ciliary dyskinesia. Last evaluated: 2021-08-31. Review status: criteria provided, single submitter. Criteria: Invitae Variant Classification Sherloc (09022015). Collection method: clinical testing. Allele origin: germline.
Comment: This sequence change replaces methionine with isoleucine at codon 1355 of the DNAH8 protein (p.Met1355Ile). The methionine residue is moderately conserved and there is a small physicochemical difference between methionine and isoleucine. This variant is present in population databases (rs779036783, ExAC 0.06%). This missense change has been observed in individual(s) with clinical features of DNAH8-related conditions (Invitae). Algorithms developed to predict the effect of missense changes on protein structure and function are either unavailable or do not agree on the potential impact of this missense change (SIFT: "Deleterious"; PolyPhen-2: "Not Available"; Align-GVGD: "Class C0"). In summary, the available evidence is currently insufficient to determine the role of this variant in disease. Therefore, it has been classified as a Variant of Uncertain Significance.